The following is an entry in ClinVar:

ClinVar aggregate classification (germline): Uncertain significance. Review status: criteria provided, multiple submitters, no conflicts (2 of 4 stars). 2 submissions from 2 submitters: Uncertain significance (2). Last evaluated 2025-09-23.

Conditions:
Epidermodysplasia verruciformis. Identifiers: Orphanet 302, MedGen C0014522, MONDO:0009176.

Allele frequency attached by ClinVar (database versions not stated): gnomAD 0.00001; TOPMed 0.00002; ExAC 0.00004; gnomAD exomes 0.00004; ESP Exome Variant Server 0.00015.
gnomAD v4.1: 58 of 1,610,876 alleles (0.0036%); highest among the groups gnomAD compares: South Asian, 0.011%; no homozygotes.

Submissions (2):

Labcorp Genetics (formerly Invitae), Labcorp
Classification: Uncertain significance for Epidermodysplasia verruciformis. Last evaluated: 2025-09-23. Review status: criteria provided, single submitter. Criteria: Invitae Variant Classification Sherloc (09022015). Collection method: clinical testing. Allele origin: germline.
Comment: This sequence change falls in intron 11 of the TMC6 gene. It does not directly change the encoded amino acid sequence of the TMC6 protein. It affects a nucleotide within the consensus splice site. This variant is present in population databases (rs371986677, gnomAD 0.02%). This variant has not been reported in the literature in individuals affected with TMC6-related conditions. ClinVar contains an entry for this variant (Variation ID: 2083935). Variants that disrupt the consensus splice site are a relatively common cause of aberrant splicing (PMID: 17576681, 9536098). Algorithms developed to predict the effect of sequence changes on RNA splicing suggest that this variant is not likely to affect RNA splicing. In summary, the available evidence is currently insufficient to determine the role of this variant in disease. Therefore, it has been classified as a Variant of Uncertain Significance.

Blueprint Genetics
Classification: Uncertain significance. Last evaluated: 2018-07-30. Review status: criteria provided, single submitter. Criteria: ACMG Guidelines, 2015. Collection method: clinical testing. Allele origin: germline.

Literature cited by the submitters: PubMed 17576681 (cited by Labcorp Genetics (formerly Invitae), Labcorp); PubMed 9536098 (cited by Labcorp Genetics (formerly Invitae), Labcorp).

NM_001127198.5(TMC6):c.1383+4C>T

Gene: TMC6 (transmembrane channel like 6; minus strand). Cytogenetic location: 17q25.3.
Variant type: single nucleotide variant.
Coding change: c.1383+4C>T on transcript NM_001127198.5 (MANE Select); 4 bases into the intron after coding-DNA position 1383, C replaced by T.
Molecular consequence: intron variant.
Genome position (GRCh38, 1-based): chr17:78,121,552, G>A on the plus strand (C>T on the coding strand, the complement: TMC6 is on the minus strand). VCF-style: chr17-78121552-G-A. GRCh37 (hg19) VCF-style: chr17-76117633-G-A.
Other names: c.1383+4C>T (NM_001374594.1, NM_001374596.1, NM_001374593.1 and 4 more transcripts).
Identifiers: ClinVar variation 2083935 (VCV002083935.3), dbSNP rs371986677, ClinGen allele CA8795770.